The following is an entry in ClinVar:

ClinVar aggregate classification (germline): Conflicting classifications of pathogenicity. Review status: criteria provided, conflicting classifications (1 of 4 stars). 2 submissions from 2 submitters: Uncertain significance (1); Likely benign (1). Last evaluated 2026-02-23.

Conditions:
POLD1-related polyposis and colorectal cancer syndrome (CRCS10). Also called: Colorectal cancer 10; COLORECTAL CANCER, SUSCEPTIBILITY TO, ON CHROMOSOME 19q; Colorectal cancer, susceptibility to, 10. Identifiers: Orphanet 220460, MedGen C2675481, MONDO:0012953, OMIM 612591.
Hereditary cancer-predisposing syndrome. Also called: Neoplastic Syndromes, Hereditary; Hereditary neoplastic syndrome; Tumor predisposition; Hereditary Cancer Syndrome. Identifiers: Orphanet 140162, MedGen C0027672, MeSH D009386, MONDO:0015356.

Allele frequency attached by ClinVar (database versions not stated): gnomAD exomes below 0.00001.
gnomAD v4.1: 2 of 1,610,858 alleles (0.00012%); highest among the groups gnomAD compares: South Asian, 0.0011%; no homozygotes.

Submissions (2):

Ambry Genetics
Classification: Likely benign for Hereditary cancer-predisposing syndrome. Last evaluated: 2026-02-23. Review status: criteria provided, single submitter. Criteria: Ambry Variant Classification Scheme 2023. Collection method: clinical testing. Allele origin: germline.

Labcorp Genetics (formerly Invitae), Labcorp
Classification: Uncertain significance for POLD1-related polyposis and colorectal cancer syndrome. Last evaluated: 2025-09-23. Review status: criteria provided, single submitter. Criteria: Invitae Variant Classification Sherloc (09022015). Collection method: clinical testing. Allele origin: germline.
Comment: This sequence change replaces glutamine, which is neutral and polar, with glutamic acid, which is acidic and polar, at codon 229 of the POLD1 protein (p.Gln229Glu). This variant is not present in population databases (gnomAD no frequency). This variant has not been reported in the literature in individuals affected with POLD1-related conditions. ClinVar contains an entry for this variant (Variation ID: 469380). Invitae Evidence Modeling of protein sequence and biophysical properties (such as structural, functional, and spatial information, amino acid conservation, physicochemical variation, residue mobility, and thermodynamic stability) indicates that this missense variant is not expected to disrupt POLD1 protein function with a negative predictive value of 80%. In summary, the available evidence is currently insufficient to determine the role of this variant in disease. Therefore, it has been classified as a Variant of Uncertain Significance.

NM_002691.4(POLD1):c.685C>G (p.Gln229Glu)

Gene: POLD1 (DNA polymerase delta 1, catalytic subunit; plus strand). Cytogenetic location: 19q13.33.
Variant type: single nucleotide variant.
Coding change: c.685C>G on transcript NM_002691.4 (MANE Select); coding-DNA position 685, C replaced by G.
Protein change: p.Gln229Glu; replaces glutamine 229 with glutamic acid.
Molecular consequence: missense variant. On other transcripts: non-coding transcript variant (1).
Genome position (GRCh38, 1-based): chr19:50,402,300, C>G. VCF-style: chr19-50402300-C-G. GRCh37 (hg19) VCF-style: chr19-50905557-C-G.
Other names: c.685C>G, p.Gln229Glu (NM_001256849.1, NM_001308632.1); c.685C>G (NM_002691.2); short protein forms Q229E.
Identifiers: ClinVar variation 469380 (VCV000469380.9), dbSNP rs1555790033, ClinGen allele CA406974341.